The following is an entry in ClinVar:

NM_003403.5(YY1):c.1221T>G (p.His407Gln)

Gene: YY1 (YY1 transcription factor; plus strand). Cytogenetic location: 14q32.2.
Variant type: single nucleotide variant.
Coding change: c.1221T>G on transcript NM_003403.5 (MANE Select); coding-DNA position 1221, T replaced by G.
Protein change: p.His407Gln; replaces histidine 407 with glutamine.
Molecular consequence: missense variant.
Genome position (GRCh38, 1-based): chr14:100,277,576, T>G. VCF-style: chr14-100277576-T-G. GRCh37 (hg19) VCF-style: chr14-100743913-T-G.
Other names: short protein forms H407Q.
Identifiers: ClinVar variation 4082880 (VCV004082880.1).

ClinVar aggregate classification (germline): Uncertain significance (1 of 4 stars; one submission).

Submission:

GeneDx
Classification: Uncertain significance. Last evaluated: 2025-03-10. Review status: criteria provided, single submitter. Criteria: GeneDx Variant Classification Process June 2021. Collection method: clinical testing. Allele origin: germline. Affected: yes.
Comment: Not observed at significant frequency in large population cohorts (gnomAD); In silico analysis supports that this missense variant has a deleterious effect on protein structure/function; In silico analysis suggests this variant may impact gene splicing. In the absence of RNA/functional studies, the actual effect of this sequence change is unknown.; Has not been previously published as pathogenic or benign to our knowledge